The following is an entry in ClinVar:

ClinVar aggregate classification (germline): Pathogenic (1 of 4 stars; one submission).

Submission:

Labcorp Genetics (formerly Invitae), Labcorp
Classification: Pathogenic. Last evaluated: 2024-01-26. Review status: criteria provided, single submitter. Criteria: Invitae Variant Classification Sherloc (09022015). Collection method: clinical testing. Allele origin: germline.
Comment: This sequence change creates a premature translational stop signal (p.Tyr209*) in the PQBP1 gene. While this is not anticipated to result in nonsense mediated decay, it is expected to disrupt the last 57 amino acid(s) of the PQBP1 protein. This variant is not present in population databases (gnomAD no frequency). This variant has not been reported in the literature in individuals affected with PQBP1-related conditions. Algorithms developed to predict the effect of sequence changes on RNA splicing suggest that this variant may disrupt the consensus splice site. This variant disrupts a region of the PQBP1 protein in which other variant(s) (p.Asp211Argfs*16) have been determined to be pathogenic (PMID: 9545405, 15024694, 21315190). This suggests that this is a clinically significant region of the protein, and that variants that disrupt it are likely to be disease-causing. For these reasons, this variant has been classified as Pathogenic.

Literature cited by the submitters: PubMed 9545405; PubMed 15024694; PubMed 21315190.

NM_001032382.2(PQBP1):c.627C>A (p.Tyr209Ter)

Gene: PQBP1 (polyglutamine binding protein 1; plus strand). Cytogenetic location: Xp11.23.
Variant type: single nucleotide variant.
Coding change: c.627C>A on transcript NM_001032382.2 (MANE Select); coding-DNA position 627, C replaced by A.
Protein change: p.Tyr209Ter; replaces tyrosine 209 with a stop codon.
Molecular consequence: nonsense.
Genome position (GRCh38, 1-based): chrX:48,902,781, C>A. VCF-style: chrX-48902781-C-A. GRCh37 (hg19) VCF-style: chrX-48760058-C-A.
Other names: c.624C>A, p.Tyr208Ter (NM_001167989.2); c.603C>A, p.Tyr201Ter (NM_001167990.2); c.327C>A, p.Tyr109Ter (NM_001167992.1); c.627C>A, p.Tyr209Ter (NM_005710.2, NM_001032381.2, NM_001032383.2 and 1 more transcripts); c.342C>A, p.Tyr114Ter (NM_144495.3); short protein forms Y109*, Y114*, Y208*, Y201*, Y209*.
Identifiers: ClinVar variation 2706546 (VCV002706546.3), dbSNP rs2519625318, ClinGen allele CA412891286.